The following is an entry in ClinVar:

ClinVar aggregate classification (germline): Uncertain significance (1 of 4 stars; one submission).

Conditions:
Leber congenital amaurosis 1 (LCA1). Also called: AMAUROSIS CONGENITA OF LEBER I; Congenital absence of the rods and cones; Leber's congenital tapetoretinal degeneration; Leber's congenital tapetoretinal dysplasia; RETINAL BLINDNESS, CONGENITAL. Identifiers: Orphanet 65, MedGen C2931258, MONDO:0008764, OMIM 204000.
Cone-rod dystrophy 6 (CORD6). Also called: Cone dystrophy progressive; RETINAL CONE DYSTROPHY 2. Identifiers: Orphanet 1872, MedGen C1866293, MONDO:0011143, OMIM 601777.

Allele frequency attached by ClinVar (database versions not stated): gnomAD 0.00001; TOPMed 0.00001.
gnomAD v4.1: 10 of 1,564,700 alleles (0.00064%); highest among the groups gnomAD compares: Admixed American, 0.0017%; no homozygotes.

Submission:

Labcorp Genetics (formerly Invitae), Labcorp
Classification: Uncertain significance for Leber congenital amaurosis 1; Cone-rod dystrophy 6. Last evaluated: 2022-06-09. Review status: criteria provided, single submitter. Criteria: Invitae Variant Classification Sherloc (09022015). Collection method: clinical testing. Allele origin: germline.
Comment: In summary, the available evidence is currently insufficient to determine the role of this variant in disease. Therefore, it has been classified as a Variant of Uncertain Significance. Variants that disrupt the consensus splice site are a relatively common cause of aberrant splicing (PMID: 17576681, 9536098). Algorithms developed to predict the effect of sequence changes on RNA splicing suggest that this variant is not likely to affect RNA splicing. ClinVar contains an entry for this variant (Variation ID: 849362). This variant has not been reported in the literature in individuals affected with GUCY2D-related conditions. This variant is not present in population databases (gnomAD no frequency). This sequence change falls in intron 6 of the GUCY2D gene. It does not directly change the encoded amino acid sequence of the GUCY2D protein. It affects a nucleotide within the consensus splice site.

Literature cited by the submitters: PubMed 17576681; PubMed 9536098.

NM_000180.4(GUCY2D):c.1566+4G>A

Gene: GUCY2D (guanylate cyclase 2D, retinal; plus strand). Cytogenetic location: 17p13.1.
Variant type: single nucleotide variant.
Coding change: c.1566+4G>A on transcript NM_000180.4 (MANE Select); 4 bases into the intron after coding-DNA position 1566, G replaced by A.
Molecular consequence: intron variant.
Genome position (GRCh38, 1-based): chr17:8,007,532, G>A. VCF-style: chr17-8007532-G-A. GRCh37 (hg19) VCF-style: chr17-7910850-G-A.
Identifiers: ClinVar variation 849362 (VCV000849362.9), dbSNP rs1191933070, ClinGen allele CA775509688.